The following is an entry in ClinVar:

NM_015164.4(PLEKHM2):c.353G>T (p.Gly118Val)

Gene: PLEKHM2 (pleckstrin homology and RUN domain containing M2; plus strand). Cytogenetic location: 1p36.21.
Variant type: single nucleotide variant.
Coding change: c.353G>T on transcript NM_015164.4 (MANE Select); coding-DNA position 353, G replaced by T.
Protein change: p.Gly118Val; replaces glycine 118 with valine.
Molecular consequence: missense variant.
Genome position (GRCh38, 1-based): chr1:15,717,968, G>T. VCF-style: chr1-15717968-G-T. GRCh37 (hg19) VCF-style: chr1-16044463-G-T.
Other names: c.353G>T, p.Gly118Val (NM_001410755.1); short protein forms G118V.
Identifiers: ClinVar variation 3683761 (VCV003683761.2).

ClinVar aggregate classification (germline): Uncertain significance (1 of 4 stars; one submission).

Submission:

Labcorp Genetics (formerly Invitae), Labcorp
Classification: Uncertain significance. Last evaluated: 2024-12-27. Review status: criteria provided, single submitter. Criteria: Invitae Variant Classification Sherloc (09022015). Collection method: clinical testing. Allele origin: germline.
Comment: This sequence change replaces glycine, which is neutral and non-polar, with valine, which is neutral and non-polar, at codon 118 of the PLEKHM2 protein (p.Gly118Val). This variant is not present in population databases (gnomAD no frequency). This variant has not been reported in the literature in individuals affected with PLEKHM2-related conditions. An algorithm developed to predict the effect of missense changes on protein structure and function (PolyPhen-2) suggests that this variant is likely to be tolerated. In summary, the available evidence is currently insufficient to determine the role of this variant in disease. Therefore, it has been classified as a Variant of Uncertain Significance.